The following is an entry in ClinVar:

NM_031935.3(HMCN1):c.8119A>G (p.Ser2707Gly)

Gene: HMCN1 (hemicentin 1; plus strand). Cytogenetic location: 1q31.1.
Variant type: single nucleotide variant.
Coding change: c.8119A>G on transcript NM_031935.3 (MANE Select); coding-DNA position 8119, A replaced by G.
Protein change: p.Ser2707Gly; replaces serine 2707 with glycine.
Molecular consequence: missense variant.
Genome position (GRCh38, 1-based): chr1:186,070,737, A>G. VCF-style: chr1-186070737-A-G. GRCh37 (hg19) VCF-style: chr1-186039869-A-G.
Other names: c.8119A>G (NM_031935.2); short protein forms S2707G.
Identifiers: ClinVar variation 1923032 (VCV001923032.6), dbSNP rs766428310, ClinGen allele CA1293027.

ClinVar aggregate classification (germline): Uncertain significance. Review status: criteria provided, multiple submitters, no conflicts (2 of 4 stars). 2 submissions from 2 submitters: Uncertain significance (2). Last evaluated 2024-11-14.

Allele frequency attached by ClinVar (database versions not stated): ExAC 0.00001; TOPMed 0.00001; gnomAD 0.00003; gnomAD exomes 0.00005.
gnomAD v4.1: 71 of 1,613,752 alleles (0.0044%); highest among the groups gnomAD compares: Non-Finnish European, 0.0059%; no homozygotes.

Submissions (2):

Ambry Genetics
Classification: Uncertain significance. Last evaluated: 2024-11-14. Review status: criteria provided, single submitter. Criteria: Ambry Variant Classification Scheme 2023. Collection method: clinical testing. Allele origin: germline.

Labcorp Genetics (formerly Invitae), Labcorp
Classification: Uncertain significance. Last evaluated: 2022-08-27. Review status: criteria provided, single submitter. Criteria: Invitae Variant Classification Sherloc (09022015). Collection method: clinical testing. Allele origin: germline.
Comment: This sequence change replaces serine, which is neutral and polar, with glycine, which is neutral and non-polar, at codon 2707 of the HMCN1 protein (p.Ser2707Gly). In summary, the available evidence is currently insufficient to determine the role of this variant in disease. Therefore, it has been classified as a Variant of Uncertain Significance. Algorithms developed to predict the effect of missense changes on protein structure and function are either unavailable or do not agree on the potential impact of this missense change (SIFT: "Deleterious"; PolyPhen-2: "Probably Damaging"; Align-GVGD: "Class C0"). This variant has not been reported in the literature in individuals affected with HMCN1-related conditions. This variant is present in population databases (rs766428310, gnomAD 0.005%).